The following is an entry in ClinVar:

NM_138694.4(PKHD1):c.7766C>A (p.Thr2589Asn)

Gene: PKHD1 (PKHD1 ciliary IPT domain containing fibrocystin/polyductin; minus strand). Cytogenetic location: 6p12.2.
Variant type: single nucleotide variant.
Coding change: c.7766C>A on transcript NM_138694.4 (MANE Select); coding-DNA position 7766, C replaced by A.
Protein change: p.Thr2589Asn; replaces threonine 2589 with asparagine.
Molecular consequence: missense variant.
Genome position (GRCh38, 1-based): chr6:51,856,038, G>T on the plus strand (C>A on the coding strand, the complement: PKHD1 is on the minus strand). VCF-style: chr6-51856038-G-T. GRCh37 (hg19) VCF-style: chr6-51720836-G-T.
Other names: c.7766C>A, p.Thr2589Asn (NM_170724.3); short protein forms T2589N.
Identifiers: ClinVar variation 972669 (VCV000972669.11), dbSNP rs1375719978, ClinGen allele CA364434500.

ClinVar aggregate classification (germline): Uncertain significance. Review status: criteria provided, single submitter (1 of 4 stars). 2 submissions from 2 submitters: Uncertain significance (1). 1 of the submissions does not count toward it. Last evaluated 2021-09-02.

Conditions:
Autosomal recessive polycystic kidney disease (ARPKD). Also called: AR polycystic kidney disease. Identifiers: Orphanet 731, Orphanet 8378, MedGen C0085548, MeSH D017044, MONDO:0009889.

Allele frequency attached by ClinVar (database versions not stated): gnomAD 0.00001.

Submissions (2):

Labcorp Genetics (formerly Invitae), Labcorp
Classification: Uncertain significance for Autosomal recessive polycystic kidney disease. Last evaluated: 2021-09-02. Review status: criteria provided, single submitter. Criteria: Invitae Variant Classification Sherloc (09022015). Collection method: clinical testing. Allele origin: germline.
Comment: This sequence change replaces threonine with asparagine at codon 2589 of the PKHD1 protein (p.Thr2589Asn). The threonine residue is moderately conserved and there is a small physicochemical difference between threonine and asparagine. This variant is not present in population databases (ExAC no frequency). This variant has not been reported in the literature in individuals affected with PKHD1-related conditions. Algorithms developed to predict the effect of missense changes on protein structure and function are either unavailable or do not agree on the potential impact of this missense change (SIFT: "Tolerated"; PolyPhen-2: "Probably Damaging"; Align-GVGD: "Class C0"). In summary, the available evidence is currently insufficient to determine the role of this variant in disease. Therefore, it has been classified as a Variant of Uncertain Significance.

Natera, Inc.
Classification: Uncertain significance for Autosomal recessive polycystic kidney disease. Last evaluated: 2018-12-31. Review status: no assertion criteria provided. Collection method: clinical testing. Allele origin: germline. Not counted in ClinVar's aggregate classification.